The following is an entry in ClinVar:

NM_004006.3(DMD):c.1972C>T (p.Leu658Phe)

Gene: DMD (dystrophin; minus strand). Cytogenetic location: Xp21.1.
Variant type: single nucleotide variant.
Coding change: c.1972C>T on transcript NM_004006.3 (MANE Select); coding-DNA position 1972, C replaced by T.
Protein change: p.Leu658Phe; replaces leucine 658 with phenylalanine.
Molecular consequence: missense variant.
Genome position (GRCh38, 1-based): chrX:32,565,722, G>A on the plus strand (C>T on the coding strand, the complement: DMD is on the minus strand). VCF-style: chrX-32565722-G-A. GRCh37 (hg19) VCF-style: chrX-32583839-G-A.
Other names: c.1948C>T, p.Leu650Phe (NM_000109.4); c.1960C>T, p.Leu654Phe (NM_004009.3); c.1603C>T, p.Leu535Phe (NM_004010.3); short protein forms L535F, L650F, L654F, L658F.
Identifiers: ClinVar variation 969596 (VCV000969596.10), dbSNP rs2051622052, ClinGen allele CA412672246.

ClinVar aggregate classification (germline): Uncertain significance (1 of 4 stars; one submission).

Conditions:
Duchenne muscular dystrophy (DMD). Also called: MUSCULAR DYSTROPHY, PSEUDOHYPERTROPHIC PROGRESSIVE, DUCHENNE TYPE; Duchenne Muscular Dystrophy (DMD). Identifiers: Orphanet 98896, MedGen C0013264, MONDO:0010679, OMIM 310200.

Submission:

Labcorp Genetics (formerly Invitae), Labcorp
Classification: Uncertain significance for Duchenne muscular dystrophy. Last evaluated: 2019-09-30. Review status: criteria provided, single submitter. Criteria: Invitae Variant Classification Sherloc (09022015). Collection method: clinical testing. Allele origin: germline.
Comment: This sequence change replaces leucine with phenylalanine at codon 658 of the DMD protein (p.Leu658Phe). The leucine residue is highly conserved and there is a small physicochemical difference between leucine and phenylalanine. This variant is not present in population databases (ExAC no frequency). This variant has not been reported in the literature in individuals with DMD-related conditions. Algorithms developed to predict the effect of missense changes on protein structure and function are either unavailable or do not agree on the potential impact of this missense change (SIFT: "Deleterious"; PolyPhen-2: "Probably Damaging"; Align-GVGD: "Class C0"). In summary, the available evidence is currently insufficient to determine the role of this variant in disease. Therefore, it has been classified as a Variant of Uncertain Significance.